The following is an entry in ClinVar:

NM_001134363.3(RBM20):c.3270C>G (p.Ile1090Met)

Gene: RBM20 (RNA binding motif protein 20; plus strand). Cytogenetic location: 10q25.2.
Variant type: single nucleotide variant.
Coding change: c.3270C>G on transcript NM_001134363.3 (MANE Select); coding-DNA position 3270, C replaced by G.
Protein change: p.Ile1090Met; replaces isoleucine 1090 with methionine.
Molecular consequence: missense variant.
Genome position (GRCh38, 1-based): chr10:110,821,889, C>G. VCF-style: chr10-110821889-C-G. GRCh37 (hg19) VCF-style: chr10-112581647-C-G.
Other names: short protein forms I1090M.
Identifiers: ClinVar variation 3726700 (VCV003726700.3).

ClinVar aggregate classification (germline): Uncertain significance. Review status: criteria provided, multiple submitters, no conflicts (2 of 4 stars). 2 submissions from 2 submitters: Uncertain significance (2). Last evaluated 2026-08-29.

Conditions:
Dilated cardiomyopathy 1DD (CMD1DD). Identifiers: Orphanet 154, MedGen C2750995, MONDO:0013168, OMIM 613172.
Cardiovascular phenotype. Identifiers: MedGen CN230736.

gnomAD v4.1: 10 of 1,551,690 alleles (0.00064%); highest among the groups gnomAD compares: Non-Finnish European, 0.00087%; no homozygotes.

Submissions (2):

Ambry Genetics
Classification: Uncertain significance for Cardiovascular phenotype. Last evaluated: 2026-08-29. Review status: criteria provided, single submitter. Criteria: Ambry Variant Classification Scheme 2023. Collection method: clinical testing. Allele origin: germline.
Comment: The p.I1090M variant (also known as c.3270C>G), located in coding exon 11 of the RBM20 gene, results from a C to G substitution at nucleotide position 3270. The isoleucine at codon 1090 is replaced by methionine, an amino acid with highly similar properties. This amino acid position is conserved. In addition, this alteration is predicted to be tolerated by in silico analysis. Based on the available evidence, the clinical significance of this variant remains unclear.

Labcorp Genetics (formerly Invitae), Labcorp
Classification: Uncertain significance for Dilated cardiomyopathy 1DD. Last evaluated: 2024-12-25. Review status: criteria provided, single submitter. Criteria: Invitae Variant Classification Sherloc (09022015). Collection method: clinical testing. Allele origin: germline.
Comment: This sequence change replaces isoleucine, which is neutral and non-polar, with methionine, which is neutral and non-polar, at codon 1090 of the RBM20 protein (p.Ile1090Met). This variant is not present in population databases (gnomAD no frequency). This variant has not been reported in the literature in individuals affected with RBM20-related conditions. Invitae Evidence Modeling of protein sequence and biophysical properties (such as structural, functional, and spatial information, amino acid conservation, physicochemical variation, residue mobility, and thermodynamic stability) indicates that this missense variant is not expected to disrupt RBM20 protein function with a negative predictive value of 95%. In summary, the available evidence is currently insufficient to determine the role of this variant in disease. Therefore, it has been classified as a Variant of Uncertain Significance.